The following is an entry in ClinVar:

NM_199355.4(ADAMTS18):c.757T>G (p.Phe253Val)

Gene: ADAMTS18 (ADAM metallopeptidase with thrombospondin type 1 motif 18; minus strand). Cytogenetic location: 16q23.1.
Variant type: single nucleotide variant.
Coding change: c.757T>G on transcript NM_199355.4 (MANE Select); coding-DNA position 757, T replaced by G.
Protein change: p.Phe253Val; replaces phenylalanine 253 with valine.
Molecular consequence: missense variant.
Genome position (GRCh38, 1-based): chr16:77,367,462, A>C on the plus strand (T>G on the coding strand, the complement: ADAMTS18 is on the minus strand). VCF-style: chr16-77367462-A-C. GRCh37 (hg19) VCF-style: chr16-77401359-A-C.
Other names: c.757T>G (NM_199355.2, NM_199355.3); c.237T>G, p.Ile79Met (NM_001326358.2); short protein forms F253V, I79M.
Identifiers: ClinVar variation 1005450 (VCV001005450.9), dbSNP rs751091608, ClinGen allele CA8181572.
Genomic context (GRCh38, chr16:77,367,462, plus strand): 5'-CCACATAAGAACAGAAAAAGAAAAAGTTTCCTTACATACATTTCTTGCGTCGTCCACAAA[A>C]ATGCTGCTTTTGCAACCTTCGATGGTGATACTCTGTCTCTCGACTCTGAGATGCATGGGG-3'
Protein context (NP_955387.1, residues 243-263): YHHRRLQKQH[Phe253Val]CGRRKKYAPK

ClinVar aggregate classification (germline): Conflicting classifications of pathogenicity. Review status: criteria provided, conflicting classifications (1 of 4 stars). 4 submissions from 4 submitters: Uncertain significance (2); Likely benign (1). 1 of the submissions does not count toward it. Last evaluated 2025-08-04.

Conditions:
Inborn genetic diseases. Identifiers: MedGen C0950123, MeSH D030342.
ADAMTS18-related disorder. Also called: ADAMTS18-related condition.

Allele frequency attached by ClinVar (database versions not stated): gnomAD 0.00003; TOPMed 0.00007; gnomAD exomes 0.00017; ExAC 0.00019.

Submissions (4):

Ambry Genetics
Classification: Uncertain significance for Inborn genetic diseases. Last evaluated: 2025-08-04. Review status: criteria provided, single submitter. Criteria: Ambry Variant Classification Scheme 2023. Collection method: clinical testing. Allele origin: germline.

Labcorp Genetics (formerly Invitae), Labcorp
Classification: Uncertain significance. Last evaluated: 2022-08-18. Review status: criteria provided, single submitter. Criteria: Invitae Variant Classification Sherloc (09022015). Collection method: clinical testing. Allele origin: germline.
Comment: This sequence change replaces phenylalanine, which is neutral and non-polar, with valine, which is neutral and non-polar, at codon 253 of the ADAMTS18 protein (p.Phe253Val). This variant is present in population databases (rs751091608, gnomAD 0.1%). This variant has not been reported in the literature in individuals affected with ADAMTS18-related conditions. ClinVar contains an entry for this variant (Variation ID: 1005450). Algorithms developed to predict the effect of missense changes on protein structure and function are either unavailable or do not agree on the potential impact of this missense change (SIFT: "Not Available"; PolyPhen-2: "Probably Damaging"; Align-GVGD: "Not Available"). In summary, the available evidence is currently insufficient to determine the role of this variant in disease. Therefore, it has been classified as a Variant of Uncertain Significance.

Blueprint Genetics
Classification: Likely benign. Last evaluated: 2021-06-23. Review status: criteria provided, single submitter. Criteria: ACMG Guidelines, 2015. Collection method: clinical testing. Allele origin: germline.

PreventionGenetics, part of Exact Sciences
Classification: Uncertain significance for ADAMTS18-related condition. Last evaluated: 2024-07-15. Review status: no assertion criteria provided. Collection method: clinical testing. Allele origin: germline. Not counted in ClinVar's aggregate classification.
Comment: The ADAMTS18 c.757T>G variant is predicted to result in the amino acid substitution p.Phe253Val. To our knowledge, this variant has not been reported in the literature. This variant is reported in 0.11% of alleles in individuals of Latino descent in gnomAD. Although we suspect that this variant may be benign, at this time, the clinical significance of this variant is uncertain due to the absence of conclusive functional and genetic evidence.